The following is an entry in ClinVar:

ClinVar aggregate classification (germline): Likely benign. Review status: criteria provided, single submitter (1 of 4 stars). 2 submissions from 2 submitters: Likely benign (1). 1 of the submissions does not count toward it. Last evaluated 2025-03-23.

Conditions:
NUP160-related disorder. Also called: NUP160-related condition.

Allele frequency attached by ClinVar (database versions not stated): gnomAD exomes below 0.00001; TOPMed below 0.00001; gnomAD 0.00001.
gnomAD v4.1: 4 of 1,614,012 alleles (0.00025%); highest among the groups gnomAD compares: Non-Finnish European, 0.00034%; no homozygotes.

Submissions (2):

Labcorp Genetics (formerly Invitae), Labcorp
Classification: Likely benign. Last evaluated: 2025-03-23. Review status: criteria provided, single submitter. Criteria: Invitae Variant Classification Sherloc (09022015). Collection method: clinical testing. Allele origin: germline.

PreventionGenetics, part of Exact Sciences
Classification: Likely benign for NUP160-related condition. Last evaluated: 2020-03-31. Review status: no assertion criteria provided. Collection method: clinical testing. Allele origin: germline. Not counted in ClinVar's aggregate classification.
Comment: This variant is classified as likely benign based on ACMG/AMP sequence variant interpretation guidelines (Richards et al. 2015 PMID: 25741868, with internal and published modifications).

NM_015231.3(NUP160):c.87A>G (p.Thr29=)

Gene: NUP160 (nucleoporin 160; minus strand). Cytogenetic location: 11p11.2.
Variant type: single nucleotide variant.
Coding change: c.87A>G on transcript NM_015231.3 (MANE Select); coding-DNA position 87, A replaced by G.
Protein change: p.Thr29=; no amino-acid change (threonine 29 retained).
Molecular consequence: synonymous variant. On other transcripts: non-coding transcript variant (1).
Genome position (GRCh38, 1-based): chr11:47,848,232, T>C on the plus strand (A>G on the coding strand, the complement: NUP160 is on the minus strand). VCF-style: chr11-47848232-T-C. GRCh37 (hg19) VCF-style: chr11-47869784-T-C.
Other names: c.189A>G, p.Thr63= (NM_001318399.1).
Identifiers: ClinVar variation 3055092 (VCV003055092.3), dbSNP rs1251421378, ClinGen allele CA474295263.